The following is an entry in ClinVar:

NM_000535.7(PMS2):c.1347G>T (p.Gln449His)

Gene: PMS2 (PMS1 homolog 2, mismatch repair system component; minus strand). Cytogenetic location: 7p22.1.
Variant type: single nucleotide variant.
Coding change: c.1347G>T on transcript NM_000535.7 (MANE Select); coding-DNA position 1347, G replaced by T.
Protein change: p.Gln449His; replaces glutamine 449 with histidine.
Molecular consequence: missense variant. On other transcripts: non-coding transcript variant (1).
Genome position (GRCh38, 1-based): chr7:5,987,418, C>A on the plus strand (G>T on the coding strand, the complement: PMS2 is on the minus strand). VCF-style: chr7-5987418-C-A. GRCh37 (hg19) VCF-style: chr7-6027049-C-A.
Other names: c.942G>T, p.Gln314His (NM_001018040.1, NM_001322003.2, NM_001322004.2 and 17 more transcripts); c.1191G>T, p.Gln397His (NM_001322006.2, NM_001406870.1); c.1029G>T, p.Gln343His (NM_001322007.2, NM_001322008.2, NM_001406876.1 and 2 more transcripts); c.786G>T, p.Gln262His (NM_001322010.2, NM_001406906.1, NM_001406907.1); c.414G>T, p.Gln138His (NM_001322011.2, NM_001322012.2); c.774G>T, p.Gln258His (NM_001322013.2, NM_001406909.1); c.1347G>T, p.Gln449His (NM_001322014.2, NM_001406871.1, NM_001406872.1); c.1038G>T, p.Gln346His (NM_001322015.2, NM_001406875.1, NM_001406877.1 and 5 more transcripts); and 12 more; short protein forms Q138H, Q192H, Q337H, Q393H, Q413H, Q314H, Q341H, Q383H.
Identifiers: ClinVar variation 1770511 (VCV001770511.2), dbSNP rs1783127387, ClinGen allele CA366742286.

ClinVar aggregate classification (germline): Uncertain significance (1 of 4 stars; one submission).

Conditions:
Hereditary cancer-predisposing syndrome. Also called: Hereditary Cancer Syndrome; Hereditary neoplastic syndrome; Neoplastic Syndromes, Hereditary; Tumor predisposition. Identifiers: Orphanet 140162, MedGen C0027672, MeSH D009386, MONDO:0015356.

Allele frequency attached by ClinVar (database versions not stated): TOPMed below 0.00001.

Submission:

Ambry Genetics
Classification: Uncertain significance for Hereditary cancer-predisposing syndrome. Last evaluated: 2021-06-10. Review status: criteria provided, single submitter. Criteria: Ambry Variant Classification Scheme 2023. Collection method: clinical testing. Allele origin: germline.
Comment: The p.Q449H variant (also known as c.1347G>T), located in coding exon 11 of the PMS2 gene, results from a G to T substitution at nucleotide position 1347. The glutamine at codon 449 is replaced by histidine, an amino acid with highly similar properties. This amino acid position is not well conserved in available vertebrate species. In addition, this alteration is predicted to be tolerated by in silico analysis. Since supporting evidence is limited at this time, the clinical significance of this alteration remains unclear.